The following is an entry in ClinVar:

ClinVar aggregate classification (germline): Uncertain significance. Review status: criteria provided, multiple submitters, no conflicts (2 of 4 stars). 2 submissions from 2 submitters: Uncertain significance (2). Last evaluated 2022-10-25.

Conditions:
Cardiovascular phenotype. Identifiers: MedGen CN230736.
Duchenne muscular dystrophy (DMD). Also called: MUSCULAR DYSTROPHY, PSEUDOHYPERTROPHIC PROGRESSIVE, DUCHENNE TYPE; Duchenne Muscular Dystrophy (DMD). Identifiers: Orphanet 98896, MedGen C0013264, MONDO:0010679, OMIM 310200.

gnomAD v4.1: 1 of 1,210,840 alleles (0.000083%); highest among the groups gnomAD compares: African/African-American, 0.0017%; no homozygotes.

Submissions (2):

Ambry Genetics
Classification: Uncertain significance for Cardiovascular phenotype. Last evaluated: 2022-10-25. Review status: criteria provided, single submitter. Criteria: Ambry Variant Classification Scheme 2023. Collection method: clinical testing. Allele origin: germline.
Comment: The p.E1074K variant (also known as c.3220G>A), located in coding exon 24 of the DMD gene, results from a G to A substitution at nucleotide position 3220. The glutamic acid at codon 1074 is replaced by lysine, an amino acid with similar properties. This amino acid position is highly conserved in available vertebrate species. In addition, this alteration is predicted to be tolerated by in silico analysis. Since supporting evidence is limited at this time, the clinical significance of this alteration remains unclear.

Labcorp Genetics (formerly Invitae), Labcorp
Classification: Uncertain significance for Duchenne muscular dystrophy. Last evaluated: 2022-08-20. Review status: criteria provided, single submitter. Criteria: Invitae Variant Classification Sherloc (09022015). Collection method: clinical testing. Allele origin: germline.
Comment: Algorithms developed to predict the effect of missense changes on protein structure and function are either unavailable or do not agree on the potential impact of this missense change (SIFT: "Deleterious"; PolyPhen-2: "Probably Damaging"; Align-GVGD: "Class C0"). This variant has not been reported in the literature in individuals affected with DMD-related conditions. This variant is not present in population databases (gnomAD no frequency). This sequence change replaces glutamic acid, which is acidic and polar, with lysine, which is basic and polar, at codon 1074 of the DMD protein (p.Glu1074Lys). In summary, the available evidence is currently insufficient to determine the role of this variant in disease. Therefore, it has been classified as a Variant of Uncertain Significance.

NM_004006.3(DMD):c.3220G>A (p.Glu1074Lys)

Gene: DMD (dystrophin; minus strand). Cytogenetic location: Xp21.1.
Variant type: single nucleotide variant.
Coding change: c.3220G>A on transcript NM_004006.3 (MANE Select); coding-DNA position 3220, G replaced by A.
Protein change: p.Glu1074Lys; replaces glutamic acid 1074 with lysine.
Molecular consequence: missense variant.
Genome position (GRCh38, 1-based): chrX:32,464,642, C>T on the plus strand (G>A on the coding strand, the complement: DMD is on the minus strand). VCF-style: chrX-32464642-C-T. GRCh37 (hg19) VCF-style: chrX-32482759-C-T.
Other names: c.3196G>A, p.Glu1066Lys (NM_000109.4); c.3208G>A, p.Glu1070Lys (NM_004009.3); c.2851G>A, p.Glu951Lys (NM_004010.3); short protein forms E951K, E1066K, E1074K, E1070K.
Identifiers: ClinVar variation 1729081 (VCV001729081.6), dbSNP rs1569563751, ClinGen allele CA412664920.